The following is an entry in ClinVar:

NM_022552.5(DNMT3A):c.2315_2322delTTCTCGAG (p.Leu773fs)

Gene: DNMT3A (DNA methyltransferase 3 alpha; minus strand). Cytogenetic location: 2p23.3.
Variant type: Deletion.
Coding change: c.2315_2322delTTCTCGAG on transcript NM_022552.5 (MANE Select); coding-DNA positions 2315 to 2322, 8 bases deleted (TTCTCGAG).
Protein change: p.Leu773fs; shifts the reading frame from leucine 773.
Molecular consequence: frameshift variant. On other transcripts: non-coding transcript variant (1).
Genome position (GRCh38, 1-based): chr2:25,240,302-25,240,309, CTCGAGAA deleted on the plus strand (TTCTCGAG on the coding strand, the reverse complement: DNMT3A is on the minus strand). VCF-style (leftmost placement, unchanged base first): chr2-25240301-CCTCGAGAA-C. GRCh37 (hg19) VCF-style: chr2-25463170-CCTCGAGAA-C.
Other names: c.1646_1653delTTCTCGAG, p.Leu550fs (NM_001375819.1); c.1748_1755delTTCTCGAG, p.Leu584fs (NM_153759.3); c.2315_2322delTTCTCGAG, p.Leu773fs (NM_175629.2); c.1859_1866delTTCTCGAG, p.Leu621fs (NM_001320893.1); short protein forms L550fs, L773fs, L621fs, L584fs.
Identifiers: ClinVar variation 4712834 (VCV004712834.1).

ClinVar aggregate classification (germline): Pathogenic (1 of 4 stars; one submission).

Conditions:
Tatton-Brown-Rahman overgrowth syndrome. Also called: Tall stature-intellectual disability-facial dysmorphism syndrome; Tatton-Brown-Rahman syndrome. Identifiers: Orphanet 404443, MedGen C4014545, MONDO:0014382, OMIM 615879.

Submission:

Labcorp Genetics (formerly Invitae), Labcorp
Classification: Pathogenic for Tatton-Brown-Rahman overgrowth syndrome. Last evaluated: 2025-03-05. Review status: criteria provided, single submitter. Criteria: Invitae Variant Classification Sherloc (09022015). Collection method: clinical testing. Allele origin: germline.
Comment: This sequence change creates a premature translational stop signal (p.Leu773Glnfs*6) in the DNMT3A gene. It is expected to result in an absent or disrupted protein product. Loss-of-function variants in DNMT3A are known to be pathogenic (PMID: 24614070). This variant is not present in population databases (gnomAD no frequency). This variant has not been reported in the literature in individuals affected with DNMT3A-related conditions. Algorithms developed to predict the effect of sequence changes on RNA splicing suggest that this variant may disrupt the consensus splice site. For these reasons, this variant has been classified as Pathogenic.

Literature cited by the submitters: PubMed 24614070.